The following is an entry in ClinVar:

ClinVar aggregate classification (germline): Uncertain significance (1 of 4 stars; one submission).

Allele frequency attached by ClinVar (database versions not stated): TOPMed below 0.00001.
gnomAD v4.1: 5 of 1,534,368 alleles (0.00033%); highest among the groups gnomAD compares: Non-Finnish European, 0.00044%; no homozygotes.

Submission:

Labcorp Genetics (formerly Invitae), Labcorp
Classification: Uncertain significance. Last evaluated: 2023-10-05. Review status: criteria provided, single submitter. Criteria: Invitae Variant Classification Sherloc (09022015). Collection method: clinical testing. Allele origin: germline.
Comment: This sequence change replaces proline, which is neutral and non-polar, with arginine, which is basic and polar, at codon 146 of the HTRA1 protein (p.Pro146Arg). This variant is not present in population databases (gnomAD no frequency). This variant has not been reported in the literature in individuals affected with HTRA1-related conditions. Advanced modeling of protein sequence and biophysical properties (such as structural, functional, and spatial information, amino acid conservation, physicochemical variation, residue mobility, and thermodynamic stability) performed at Invitae indicates that this missense variant is not expected to disrupt HTRA1 protein function. In summary, the available evidence is currently insufficient to determine the role of this variant in disease. Therefore, it has been classified as a Variant of Uncertain Significance.

NM_002775.5(HTRA1):c.437C>G (p.Pro146Arg)

Gene: HTRA1 (HtrA serine peptidase 1; plus strand). Cytogenetic location: 10q26.13.
Variant type: single nucleotide variant.
Coding change: c.437C>G on transcript NM_002775.5 (MANE Select); coding-DNA position 437, C replaced by G.
Protein change: p.Pro146Arg; replaces proline 146 with arginine.
Molecular consequence: missense variant.
Genome position (GRCh38, 1-based): chr10:122,462,089, C>G. VCF-style: chr10-122462089-C-G. GRCh37 (hg19) VCF-style: chr10-124221605-C-G.
Other names: short protein forms P146R.
Identifiers: ClinVar variation 2721185 (VCV002721185.3), dbSNP rs1005142352, ClinGen allele CA378606419.